The following is an entry in ClinVar:

NM_000179.3(MSH6):c.2252A>G (p.Asn751Ser)

Gene: MSH6 (mutS homolog 6; plus strand). Cytogenetic location: 2p16.3.
Variant type: single nucleotide variant.
Coding change: c.2252A>G on transcript NM_000179.3 (MANE Select); coding-DNA position 2252, A replaced by G.
Protein change: p.Asn751Ser; replaces asparagine 751 with serine.
Molecular consequence: missense variant. On other transcripts: non-coding transcript variant (5), intron variant (2).
Genome position (GRCh38, 1-based): chr2:47,800,235, A>G. VCF-style: chr2-47800235-A-G. GRCh37 (hg19) VCF-style: chr2-48027374-A-G.
Other names: c.2252A>G, p.Asn751Ser (NM_001406809.1, NM_001406796.1, NM_001406798.1 and 3 more transcripts); c.1346A>G, p.Asn449Ser (NM_001406811.1, NM_001406812.1, NM_001406814.1 and 6 more transcripts); c.2258A>G, p.Asn753Ser (NM_001406813.1); c.1955A>G, p.Asn652Ser (NM_001406818.1, NM_001406819.1, NM_001406797.1 and 10 more transcripts); c.1862A>G, p.Asn621Ser (NM_001281492.2); c.2348A>G, p.Asn783Ser (NM_001406795.1, NM_001406802.1); c.1606+646A>G (NM_001406817.1); c.628-431A>G (NM_001407362.1); and 3 more; short protein forms N695S, N725S, N753S, N449S, N751S, N621S, N576S, N652S.
Identifiers: ClinVar variation 2824679 (VCV002824679.3), dbSNP rs1553413626, ClinGen allele CA346752671.
Genomic context (GRCh38, chr2:47,800,235, plus strand): 5'-AACGAATGGTGCTAGATGCAGTGACATTAAACAACTTGGAGATTTTTCTGAATGGAACAA[A>G]TGGTTCTACTGAAGGAACCCTACTAGAGAGGGTTGATACTTGCCATACTCCTTTTGGTAA-3'
Protein context (NP_000170.1, residues 741-761): NNLEIFLNGT[Asn751Ser]GSTEGTLLER

ClinVar aggregate classification (germline): Uncertain significance (1 of 4 stars; one submission).

Conditions:
Hereditary nonpolyposis colorectal neoplasms. Identifiers: MedGen C0009405, MeSH D003123.

gnomAD v4.1: 1 of 1,614,202 alleles (0.000062%); highest among the groups gnomAD compares: Non-Finnish European, 0.000085%; no homozygotes.

Submission:

Labcorp Genetics (formerly Invitae), Labcorp
Classification: Uncertain significance for Hereditary nonpolyposis colorectal neoplasms. Last evaluated: 2022-12-29. Review status: criteria provided, single submitter. Criteria: Invitae Variant Classification Sherloc (09022015). Collection method: clinical testing. Allele origin: germline.
Comment: In summary, the available evidence is currently insufficient to determine the role of this variant in disease. Therefore, it has been classified as a Variant of Uncertain Significance. Advanced modeling of protein sequence and biophysical properties (such as structural, functional, and spatial information, amino acid conservation, physicochemical variation, residue mobility, and thermodynamic stability) performed at Invitae indicates that this missense variant is not expected to disrupt MSH6 protein function. This variant has not been reported in the literature in individuals affected with MSH6-related conditions. This variant is not present in population databases (gnomAD no frequency). This sequence change replaces asparagine, which is neutral and polar, with serine, which is neutral and polar, at codon 751 of the MSH6 protein (p.Asn751Ser).